The following is an entry in ClinVar:

ClinVar aggregate classification (germline): Uncertain significance (1 of 4 stars; one submission).

Submission:

Labcorp Genetics (formerly Invitae), Labcorp
Classification: Uncertain significance. Last evaluated: 2024-03-20. Review status: criteria provided, single submitter. Criteria: Invitae Variant Classification Sherloc (09022015). Collection method: clinical testing. Allele origin: germline.
Comment: This sequence change creates a premature translational stop signal (p.Thr46Asnfs*6) in the SRP72 gene. It is expected to result in an absent or disrupted protein product. However, the current clinical and genetic evidence is not sufficient to establish whether loss-of-function variants in SRP72 cause disease. This variant is not present in population databases (gnomAD no frequency). This variant has not been reported in the literature in individuals affected with SRP72-related conditions. In summary, the available evidence is currently insufficient to determine the role of this variant in disease. Therefore, it has been classified as a Variant of Uncertain Significance.

NM_006947.4(SRP72):c.134dup (p.Thr46fs)

Gene: SRP72 (signal recognition particle 72; plus strand). Cytogenetic location: 4q12.
Variant type: Duplication.
Coding change: c.134dup on transcript NM_006947.4 (MANE Select); coding-DNA position 134, one base duplicated (T; older notation c.134dupT).
Protein change: p.Thr46fs; shifts the reading frame from threonine 46.
Molecular consequence: frameshift variant. On other transcripts: non-coding transcript variant (1).
Genome position (GRCh38, 1-based): chr4:56,469,677, T duplicated. VCF-style (leftmost placement, unchanged base first): chr4-56469676-G-GT. GRCh37 (hg19) VCF-style: chr4-57335842-G-GT.
Other names: c.134dup, p.Thr46fs (NM_001267722.2); short protein forms T46fs.
Identifiers: ClinVar variation 3680376 (VCV003680376.2).